The following is an entry in ClinVar:

NM_002422.5(MMP3):c.711C>T (p.Tyr237=)

Gene: MMP3 (matrix metallopeptidase 3; minus strand). Cytogenetic location: 11q22.2.
Variant type: single nucleotide variant.
Coding change: c.711C>T on transcript NM_002422.5 (MANE Select); coding-DNA position 711, C replaced by T.
Protein change: p.Tyr237=; no amino-acid change (tyrosine 237 retained).
Molecular consequence: synonymous variant.
Genome position (GRCh38, 1-based): chr11:102,840,508, G>A on the plus strand (C>T on the coding strand, the complement: MMP3 is on the minus strand). VCF-style: chr11-102840508-G-A. GRCh37 (hg19) VCF-style: chr11-102711239-G-A.
Identifiers: ClinVar variation 756913 (VCV000756913.5), dbSNP rs782213288, ClinGen allele CA6251021.
Genomic context (GRCh38, chr11:102,840,508, plus strand): 5'-ATTTATATCATCTTGAGACAGGCGGAACCGAGTCAGGTCTGTGAGTGAGTGATAGAGTGG[G>A]TACATCAAAGCTTCAGTGTTGGCTGAGTGAAAGAGACCCAGGGAGTGGCCAATTTCATGA-3'
Protein context (NP_002413.1, residues 227-247): FHSANTEALM[Tyr237=]PLYHSLTDLT

ClinVar aggregate classification (germline): Likely benign. Review status: criteria provided, single submitter (1 of 4 stars). 2 submissions from 2 submitters: Likely benign (1). 1 of the submissions does not count toward it. Last evaluated 2018-06-28.

Conditions:
MMP3-related disorder. Also called: MMP3-related condition.

Allele frequency attached by ClinVar (database versions not stated): TOPMed 0.00002; ExAC 0.00006.
gnomAD v4.1: 37 of 1,614,080 alleles (0.0023%); highest among the groups gnomAD compares: Admixed American, 0.043%; no homozygotes.

Submissions (2):

Labcorp Genetics (formerly Invitae), Labcorp
Classification: Likely benign. Last evaluated: 2018-06-28. Review status: criteria provided, single submitter. Criteria: Invitae Variant Classification Sherloc (09022015). Collection method: clinical testing. Allele origin: germline.

PreventionGenetics, part of Exact Sciences
Classification: Likely benign for MMP3-related condition. Last evaluated: 2019-06-18. Review status: no assertion criteria provided. Collection method: clinical testing. Allele origin: germline. Not counted in ClinVar's aggregate classification.
Comment: This variant is classified as likely benign based on ACMG/AMP sequence variant interpretation guidelines (Richards et al. 2015 PMID: 25741868, with internal and published modifications).